The following is an entry in ClinVar:

NM_017763.6(RNF43):c.1302C>T (p.Pro434=)

Gene: RNF43 (ring finger protein 43; minus strand). Cytogenetic location: 17q22.
Variant type: single nucleotide variant.
Coding change: c.1302C>T on transcript NM_017763.6 (MANE Select); coding-DNA position 1302, C replaced by T.
Protein change: p.Pro434=; no amino-acid change (proline 434 retained).
Molecular consequence: synonymous variant.
Genome position (GRCh38, 1-based): chr17:58,358,474, G>A on the plus strand (C>T on the coding strand, the complement: RNF43 is on the minus strand). VCF-style: chr17-58358474-G-A. GRCh37 (hg19) VCF-style: chr17-56435835-G-A.
Other names: c.1302C>T, p.Pro434= (NM_001305544.3); c.921C>T, p.Pro307= (NM_001305545.2); c.1302C>T (NM_017763.4).
Identifiers: ClinVar variation 1169848 (VCV001169848.37), dbSNP rs201383492, ClinGen allele CA8673203.

ClinVar aggregate classification (germline): Benign/Likely benign. Review status: criteria provided, multiple submitters, no conflicts (2 of 4 stars). 6 submissions from 6 submitters: Benign (2); Likely benign (4). Last evaluated 2026-07-01.

Conditions:
Sessile serrated polyposis cancer syndrome (SSPCS). Identifiers: Orphanet 157798, MedGen C4310714, MONDO:0014919, OMIM 617108.

Allele frequency attached by ClinVar (database versions not stated): ExAC 0.00009; gnomAD exomes 0.00016 and 0.00008; gnomAD 0.00012; ESP Exome Variant Server 0.00015; TOPMed 0.00012.
gnomAD v4.1: 136 of 1,613,840 alleles (0.0084%); highest among the groups gnomAD compares: Non-Finnish European, 0.003%; no homozygotes.

Submissions (6):

Myriad Genetics, Inc.
Classification: Benign for Sessile serrated polyposis cancer syndrome. Last evaluated: 2026-07-01. Review status: criteria provided, single submitter. Criteria: Myriad Autosomal Dominant, Autosomal Recessive and X-Linked Classification Criteria (2023). Collection method: clinical testing. Allele origin: unknown.
Comment: This variant is considered benign. This variant is a silent/synonymous amino acid change and it is not expected to impact splicing.

Labcorp Genetics (formerly Invitae), Labcorp
Classification: Benign. Last evaluated: 2026-01-18. Review status: criteria provided, single submitter. Criteria: Invitae Variant Classification Sherloc (09022015). Collection method: clinical testing. Allele origin: germline.

Center for Genomic Medicine, Rigshospitalet, Copenhagen University Hospital
Classification: Likely benign. Last evaluated: 2025-03-04. Review status: criteria provided, single submitter. Criteria: ACMG Guidelines, 2015. Collection method: clinical testing. Allele origin: germline.

CeGaT Center for Human Genetics Tuebingen
Classification: Likely benign. Last evaluated: 2025-03-01. Review status: criteria provided, single submitter. Criteria: CeGaT Center For Human Genetics Tuebingen Variant Classification Criteria Version 2. Collection method: clinical testing. Allele origin: germline. Affected: yes. Observed: 2 variant alleles.
Comment: RNF43: BP4, BP7

Ambry Genetics
Classification: Likely benign. Last evaluated: 2024-11-24. Review status: criteria provided, single submitter. Criteria: Ambry Variant Classification Scheme 2023. Collection method: clinical testing. Allele origin: germline.

Department of Pathology and Laboratory Medicine, Sinai Health System
Classification: Likely benign for Sessile serrated polyposis cancer syndrome. Last evaluated: 2024-11-20. Review status: criteria provided, single submitter. Criteria: ACMG Guidelines, 2015. Collection method: clinical testing. Allele origin: germline.